The following is an entry in ClinVar:

NM_000239.3(LYZ):c.*835C>T

Gene: LYZ (lysozyme; plus strand). Cytogenetic location: 12q15.
Variant type: single nucleotide variant.
Coding change: c.*835C>T on transcript NM_000239.3 (MANE Select); 835 bases downstream of the stop codon, C replaced by T.
Molecular consequence: 3 prime UTR variant.
Genome position (GRCh38, 1-based): chr12:69,354,054, C>T. VCF-style: chr12-69354054-C-T. GRCh37 (hg19) VCF-style: chr12-69747834-C-T.
Identifiers: ClinVar variation 310354 (VCV000310354.6), dbSNP rs1384, ClinGen allele CA10633519.

ClinVar aggregate classification (germline): Benign. Review status: criteria provided, multiple submitters, no conflicts (2 of 4 stars). 2 submissions from 2 submitters: Benign (2). Last evaluated 2018-01-12.

Conditions:
Familial visceral amyloidosis, Ostertag type (AMYLD2). Also called: AMYLOIDOSIS VIII; Ostertag type amyloidosis; Familial visceral amyloidosis; Hereditary Renal Amyloidosis; Amyloidosis, hepatic and systemic; AMYLOIDOSIS, HEREDITARY SYSTEMIC 2. Identifiers: Orphanet 85450, MedGen C0268389, MONDO:0007099, OMIM 105200.

Allele frequency attached by ClinVar (database versions not stated): gnomAD 0.40016 and 0.41468; TOPMed 0.40636; 1000 Genomes Project 30x 0.45815; 1000 Genomes Project 0.46865; gnomAD exomes 0.50000.
gnomAD v4.1: 63,162 of 151,924 alleles (42%); highest among the groups gnomAD compares: East Asian, 72%; 15,339 homozygotes.

Submissions (2):

Illumina Laboratory Services, Illumina
Classification: Benign for Familial visceral amyloidosis, Ostertag type. Last evaluated: 2018-01-12. Review status: criteria provided, single submitter. Criteria: ICSL Variant Classification Criteria 13 December 2019. Collection method: clinical testing. Allele origin: germline.
Comment: This variant was observed in the ICSL laboratory as part of a predisposition screen in an ostensibly healthy population. It had not been previously curated by ICSL or reported in the Human Gene Mutation Database (HGMD: prior to June 1st, 2018), and was therefore a candidate for classification through an automated scoring system. Utilizing variant allele frequency, disease prevalence and penetrance estimates, and inheritance mode, an automated score was calculated to assess if this variant is too frequent to cause the disease. Based on the score and internal cut-off values, a variant classified as benign is not then subjected to further curation. The score for this variant resulted in a classification of benign for this disease.

Breakthrough Genomics
Classification: Benign. Review status: criteria provided, single submitter. Criteria: ACMG Guidelines, 2015. Collection method: not provided. Allele origin: germline. Inheritance: Autosomal dominant inheritance. Affected: yes.